The following is an entry in ClinVar:

NM_000216.4(ANOS1):c.197del (p.Gln66fs)

Gene: ANOS1 (anosmin 1; minus strand). Cytogenetic location: Xp22.31.
Variant type: Deletion.
Coding change: c.197del on transcript NM_000216.4 (MANE Select); coding-DNA position 197, one base deleted (A; older notation c.197delA).
Protein change: p.Gln66fs; shifts the reading frame from glutamine 66.
Molecular consequence: frameshift variant.
Genome position (GRCh38, 1-based): chrX:8,731,840, T deleted on the plus strand (A on the coding strand, the reverse complement: ANOS1 is on the minus strand). VCF-style (leftmost placement, unchanged base first): chrX-8731839-CT-C. GRCh37 (hg19) VCF-style: chrX-8699880-CT-C.
Other names: short protein forms Q66fs.
Identifiers: ClinVar variation 2856539 (VCV002856539.3), dbSNP rs2518440963, ClinGen allele CA2739268071.
Genomic context (GRCh38, chrX:8,731,839, plus strand): 5'-CACGCCGCGGCCGCAGCCCCAGAAAGAACCCGGGCGGGGGCCTCCCCGTACCTGGAAGTG[CT>C]GGAAGAAGGCGGAGATGCGAGTGATCTGCAGGCTCAGGCACCTGGAGGCGCAGCGAGCGC-3'

ClinVar aggregate classification (germline): Pathogenic (1 of 4 stars; one submission).

Conditions:
Hypogonadotropic hypogonadism 1 with or without anosmia (HH1). Also called: Kallmann syndrome, type 1, X-linked; DYSPLASIA OLFACTOGENITALIS OF DE MORSIER; HYPOGONADOTROPIC HYPOGONADISM 1 WITH ANOSMIA; KAL1-Related GnRH Deficiency (Kallmann Syndrome 1; Kallmann Syndrome, X-Linked); Hypogonadotropic hypogonadism 1 with or without anosmia (Kallmann syndrome 1); HYPOGONADOTROPIC HYPOGONADISM AND ANOSMIA. Identifiers: Orphanet 478, MedGen C1563719, MONDO:0010635, OMIM 308700. Disease mechanism: loss of function.

Submission:

Labcorp Genetics (formerly Invitae), Labcorp
Classification: Pathogenic for Hypogonadotropic hypogonadism 1 with or without anosmia. Last evaluated: 2024-03-16. Review status: criteria provided, single submitter. Criteria: Invitae Variant Classification Sherloc (09022015). Collection method: clinical testing. Allele origin: germline.
Comment: This sequence change creates a premature translational stop signal (p.Gln66Argfs*31) in the ANOS1 gene. It is expected to result in an absent or disrupted protein product. Loss-of-function variants in ANOS1 are known to be pathogenic (PMID: 8504298, 11297579). This variant is not present in population databases (gnomAD no frequency). This variant has not been reported in the literature in individuals affected with ANOS1-related conditions. For these reasons, this variant has been classified as Pathogenic.

Literature cited by the submitters: PubMed 8504298; PubMed 11297579.